The following is an entry in ClinVar:

ClinVar aggregate classification (germline): Uncertain significance (1 of 4 stars; one submission).

Conditions:
Retinitis pigmentosa 73 (RP73). Identifiers: Orphanet 791, MedGen C4225287, MONDO:0014687, OMIM 616544.
Mucopolysaccharidosis, MPS-III-C (MPS3C). Also called: SANFILIPPO SYNDROME C; MPS III C; Mucopolysaccharidosis type IIIC (Sanfilippo C); MUCOPOLYSACCHARIDOSIS, TYPE IIIC; mucopolysaccharidosis type 3C; MPS IIIC (Sanfilippo Syndrome Type C). Identifiers: Orphanet 581, Orphanet 79271, MedGen C0086649, MONDO:0009657, OMIM 252930.

gnomAD v4.1: 2 of 1,585,572 alleles (0.00013%); highest among the groups gnomAD compares: African/African-American, 0.0013%; no homozygotes.

Submission:

Labcorp Genetics (formerly Invitae), Labcorp
Classification: Uncertain significance for Retinitis pigmentosa 73; Mucopolysaccharidosis, MPS-III-C. Last evaluated: 2022-04-22. Review status: criteria provided, single submitter. Criteria: Invitae Variant Classification Sherloc (09022015). Collection method: clinical testing. Allele origin: germline.
Comment: This variant has not been reported in the literature in individuals affected with HGSNAT-related conditions. Advanced modeling of protein sequence and biophysical properties (such as structural, functional, and spatial information, amino acid conservation, physicochemical variation, residue mobility, and thermodynamic stability) performed at Invitae indicates that this missense variant is not expected to disrupt HGSNAT protein function. In summary, the available evidence is currently insufficient to determine the role of this variant in disease. Therefore, it has been classified as a Variant of Uncertain Significance. This variant is not present in population databases (gnomAD no frequency). This sequence change replaces isoleucine, which is neutral and non-polar, with lysine, which is basic and polar, at codon 200 of the HGSNAT protein (p.Ile200Lys).

NM_152419.3(HGSNAT):c.599T>A (p.Ile200Lys)

Gene: HGSNAT (heparan-alpha-glucosaminide N-acetyltransferase; plus strand). Cytogenetic location: 8p11.21.
Variant type: single nucleotide variant.
Coding change: c.599T>A on transcript NM_152419.3 (MANE Select); coding-DNA position 599, T replaced by A.
Protein change: p.Ile200Lys; replaces isoleucine 200 with lysine.
Molecular consequence: missense variant. On other transcripts: 5 prime UTR variant (1).
Genome position (GRCh38, 1-based): chr8:43,169,208, T>A. VCF-style: chr8-43169208-T-A. GRCh37 (hg19) VCF-style: chr8-43024351-T-A.
Other names: c.599T>A, p.Ile200Lys (NM_001363227.2, NM_001363228.2); c.-235T>A (NM_001363229.2); short protein forms I200K.
Identifiers: ClinVar variation 1924823 (VCV001924823.5), dbSNP rs2486955858, ClinGen allele CA371115972.